The following is an entry in ClinVar:

ClinVar aggregate classification (germline): Uncertain significance (1 of 4 stars; one submission).

Allele frequency attached by ClinVar (database versions not stated): TOPMed below 0.00001; gnomAD exomes 0.00001 and 0.00002; ExAC 0.00002; ESP Exome Variant Server 0.00008.
gnomAD v4.1: 12 of 1,613,680 alleles (0.00074%); highest among the groups gnomAD compares: Admixed American, 0.005%; no homozygotes.

Submission:

Labcorp Genetics (formerly Invitae), Labcorp
Classification: Uncertain significance. Last evaluated: 2025-12-23. Review status: criteria provided, single submitter. Criteria: Invitae Variant Classification Sherloc (09022015). Collection method: clinical testing. Allele origin: germline.
Comment: This sequence change replaces arginine, which is basic and polar, with glutamine, which is neutral and polar, at codon 1557 of the MYH9 protein (p.Arg1557Gln). This variant is present in population databases (rs373393111, gnomAD 0.006%). This variant has not been reported in the literature in individuals affected with MYH9-related conditions. ClinVar contains an entry for this variant (Variation ID: 1491898). Invitae Evidence Modeling of protein sequence and biophysical properties (such as structural, functional, and spatial information, amino acid conservation, physicochemical variation, residue mobility, and thermodynamic stability) has been performed for this missense variant. However, the output from this modeling did not meet the statistical confidence thresholds required to predict the impact of this variant on MYH9 protein function. In summary, the available evidence is currently insufficient to determine the role of this variant in disease. Therefore, it has been classified as a Variant of Uncertain Significance.

NM_002473.6(MYH9):c.4670G>A (p.Arg1557Gln)

Gene: MYH9 (myosin heavy chain 9; minus strand). Cytogenetic location: 22q12.3.
Variant type: single nucleotide variant.
Coding change: c.4670G>A on transcript NM_002473.6 (MANE Select); coding-DNA position 4670, G replaced by A.
Protein change: p.Arg1557Gln; replaces arginine 1557 with glutamine.
Molecular consequence: missense variant.
Genome position (GRCh38, 1-based): chr22:36,288,827, C>T on the plus strand (G>A on the coding strand, the complement: MYH9 is on the minus strand). VCF-style: chr22-36288827-C-T. GRCh37 (hg19) VCF-style: chr22-36684873-C-T.
Other names: short protein forms R1557Q.
Identifiers: ClinVar variation 1491898 (VCV001491898.6), dbSNP rs373393111, ClinGen allele CA10209316.